The following is an entry in ClinVar:

NM_000143.4(FH):c.401A>G (p.Asp134Gly)

Gene: FH (fumarate hydratase; minus strand). Cytogenetic location: 1q43.
Variant type: single nucleotide variant.
Coding change: c.401A>G on transcript NM_000143.4 (MANE Select); coding-DNA position 401, A replaced by G.
Protein change: p.Asp134Gly; replaces aspartic acid 134 with glycine.
Molecular consequence: missense variant.
Genome position (GRCh38, 1-based): chr1:241,512,121, T>C on the plus strand (A>G on the coding strand, the complement: FH is on the minus strand). VCF-style: chr1-241512121-T-C. GRCh37 (hg19) VCF-style: chr1-241675421-T-C.
Other names: short protein forms D134G.
Identifiers: ClinVar variation 3697330 (VCV003697330.2).

ClinVar aggregate classification (germline): Uncertain significance (1 of 4 stars; one submission).

Submission:

Labcorp Genetics (formerly Invitae), Labcorp
Classification: Uncertain significance. Last evaluated: 2024-04-09. Review status: criteria provided, single submitter. Criteria: Invitae Variant Classification Sherloc (09022015). Collection method: clinical testing. Allele origin: germline.
Comment: This sequence change replaces aspartic acid, which is acidic and polar, with glycine, which is neutral and non-polar, at codon 134 of the FH protein (p.Asp134Gly). This variant is not present in population databases (gnomAD no frequency). This variant has not been reported in the literature in individuals affected with FH-related conditions. Advanced modeling of protein sequence and biophysical properties (such as structural, functional, and spatial information, amino acid conservation, physicochemical variation, residue mobility, and thermodynamic stability) has been performed at Invitae for this missense variant, however the output from this modeling did not meet the statistical confidence thresholds required to predict the impact of this variant on FH protein function. In summary, the available evidence is currently insufficient to determine the role of this variant in disease. Therefore, it has been classified as a Variant of Uncertain Significance.